The following is an entry in ClinVar:

ClinVar aggregate classification (germline): Conflicting classifications of pathogenicity. Review status: criteria provided, conflicting classifications (1 of 4 stars). 6 submissions from 6 submitters: Uncertain significance (5); Benign (1). Last evaluated 2026-02-01.

Conditions:
Bethlem myopathy 1A. Also called: MYOPATHY, BENIGN CONGENITAL, WITH CONTRACTURES; Bethlem myopathy 1; Bethlem Muscular Dystrophy. Identifiers: Orphanet 610, MedGen CN029274, MONDO:0024530, OMIM 158810.

Allele frequency attached by ClinVar (database versions not stated): gnomAD 0.00011 and 0.00014; TOPMed 0.00015; gnomAD exomes 0.00018 and 0.00034; ESP Exome Variant Server 0.00023; ExAC 0.00125.
gnomAD v4.1: 290 of 1,583,162 alleles (0.018%); highest among the groups gnomAD compares: Non-Finnish European, 0.018%; 1 homozygote.

Submissions (6):

Labcorp Genetics (formerly Invitae), Labcorp
Classification: Benign for Bethlem myopathy 1A. Last evaluated: 2026-02-01. Review status: criteria provided, single submitter. Criteria: Invitae Variant Classification Sherloc (09022015). Collection method: clinical testing. Allele origin: germline.

Women's Health and Genetics/Laboratory Corporation of America, LabCorp
Classification: Uncertain significance. Last evaluated: 2025-10-01. Review status: criteria provided, single submitter. Criteria: LabCorp Variant Classification Summary - May 2015. Collection method: clinical testing. Allele origin: germline.
Comment: Variant summary: COL6A2 c.2711C>T (p.Ala904Val) results in a non-conservative amino acid change in the encoded protein sequence. Algorithms developed to predict the effect of missense changes on protein structure and function all suggest that this variant is likely to be disruptive. The variant allele was found at a frequency of 0.00034 in 196642 control chromosomes in the gnomAD database, including 1 homozygotes. This frequency is not significantly higher than estimated for disease-causing variants in COL6A2, allowing no conclusion about variant significance. c.2711C>T has been observed in individual(s) affected with Limb Girdle muscular dystrophy (Nallamilli_2018). These report(s) do not provide unequivocal conclusions about association of the variant with Ullrich congenital muscular dystrophy. To our knowledge, no experimental evidence demonstrating an impact on protein function has been reported. The following publication have been ascertained in the context of this evaluation (PMID: 30564623). ClinVar contains an entry for this variant (Variation ID: 289567). Based on the evidence outlined above, the variant was classified as uncertain significance.

Blueprint Genetics
Classification: Uncertain significance. Last evaluated: 2024-07-31. Review status: criteria provided, single submitter. Criteria: ACMG Guidelines, 2015. Collection method: clinical testing. Allele origin: germline.

Revvity Omics, Revvity
Classification: Uncertain significance. Last evaluated: 2022-08-16. Review status: criteria provided, single submitter. Criteria: ACMG Guidelines, 2015. Collection method: clinical testing. Allele origin: germline.

ARUP Laboratories, Molecular Genetics and Genomics, ARUP Laboratories
Classification: Uncertain significance. Last evaluated: 2020-02-14. Review status: criteria provided, single submitter. Criteria: ARUP Molecular Germline Variant Investigation Process. Collection method: clinical testing. Allele origin: germline.

Eurofins Ntd Llc (ga)
Classification: Uncertain significance. Last evaluated: 2016-11-29. Review status: criteria provided, single submitter. Criteria: EGL Classification Definitions 2015. Collection method: clinical testing. Allele origin: germline. Observed: 4 variant alleles, 4 heterozygotes.

Literature cited by the submitters: PubMed 30564623 (cited by Women's Health and Genetics/Laboratory Corporation of America, LabCorp).

NM_001849.4(COL6A2):c.2711C>T (p.Ala904Val)

Gene: COL6A2 (collagen type VI alpha 2 chain; plus strand). Cytogenetic location: 21q22.3.
Variant type: single nucleotide variant.
Coding change: c.2711C>T on transcript NM_001849.4 (MANE Select); coding-DNA position 2711, C replaced by T.
Protein change: p.Ala904Val; replaces alanine 904 with valine.
Molecular consequence: missense variant.
Genome position (GRCh38, 1-based): chr21:46,132,203, C>T. VCF-style: chr21-46132203-C-T. GRCh37 (hg19) VCF-style: chr21-47552117-C-T.
Other names: short protein forms A904V.
Identifiers: ClinVar variation 289567 (VCV000289567.28), dbSNP rs376665722, ClinGen allele CA10072985.